The following is an entry in ClinVar:

NM_002900.3(RBP3):c.898G>A (p.Gly300Arg)

Gene: RBP3 (retinol binding protein 3; plus strand). Cytogenetic location: 10q11.22.
Variant type: single nucleotide variant.
Coding change: c.898G>A on transcript NM_002900.3 (MANE Select); coding-DNA position 898, G replaced by A.
Protein change: p.Gly300Arg; replaces glycine 300 with arginine.
Molecular consequence: missense variant.
Genome position (GRCh38, 1-based): chr10:47,349,382, G>A. VCF-style: chr10-47349382-G-A. GRCh37 (hg19) VCF-style: chr10-48389980-C-T.
Other names: short protein forms G300R.
Identifiers: ClinVar variation 1944825 (VCV001944825.3), dbSNP rs782553847, ClinGen allele CA5487667.

ClinVar aggregate classification (germline): Uncertain significance. Review status: criteria provided, multiple submitters, no conflicts (2 of 4 stars). 2 submissions from 2 submitters: Uncertain significance (2). Last evaluated 2022-11-10.

Allele frequency attached by ClinVar (database versions not stated): ExAC 0.00003; TOPMed 0.00006.

Submissions (2):

Blueprint Genetics
Classification: Uncertain significance. Last evaluated: 2022-11-10. Review status: criteria provided, single submitter. Criteria: ACMG Guidelines, 2015. Collection method: clinical testing. Allele origin: germline.

Labcorp Genetics (formerly Invitae), Labcorp
Classification: Uncertain significance. Last evaluated: 2022-06-04. Review status: criteria provided, single submitter. Criteria: Invitae Variant Classification Sherloc (09022015). Collection method: clinical testing. Allele origin: germline.
Comment: This sequence change replaces glycine, which is neutral and non-polar, with arginine, which is basic and polar, at codon 300 of the RBP3 protein (p.Gly300Arg). This variant is present in population databases (rs782553847, gnomAD 0.006%). This variant has not been reported in the literature in individuals affected with RBP3-related conditions. Algorithms developed to predict the effect of missense changes on protein structure and function are either unavailable or do not agree on the potential impact of this missense change (SIFT: "Deleterious"; PolyPhen-2: "Probably Damaging"; Align-GVGD: "Class C15"). In summary, the available evidence is currently insufficient to determine the role of this variant in disease. Therefore, it has been classified as a Variant of Uncertain Significance.